The following is an entry in ClinVar:

ClinVar aggregate classification (germline): Likely pathogenic (1 of 4 stars; one submission).

Conditions:
Bardet-Biedl syndrome (BBS). Identifiers: Orphanet 110, MedGen C0752166, MONDO:0015229.

Submission:

Women's Health and Genetics/Laboratory Corporation of America, LabCorp
Classification: Likely pathogenic for Bardet-Biedl syndrome. Last evaluated: 2022-12-16. Review status: criteria provided, single submitter. Criteria: LabCorp Variant Classification Summary - May 2015. Collection method: clinical testing. Allele origin: germline.
Comment: Variant summary: The variant identified by MLPA or other technology involves the deletion of exon 14 in the SDCCAG8 gene. A presumed nomenclature of c.(1616+1_1617-1)_(1744+1_1745-1)del has been designated for the purposes of this classification. Although exact breakpoints of this deletion are not known, it is expected to result in a frameshift in the SDCCAG8 gene, a known mechanism of disease. The variant was absent in 21694 control chromosomes (gnomAD, structural variants dataset). To our knowledge, no occurrence of c.(1616+1_1617-1)_(1744+1_1745-1)del in individuals affected with Bardet-Biedl Syndrome and no experimental evidence demonstrating its impact on protein function have been reported. One clinical diagnostic laboratory has submitted a clinical-significance assessment for this variant to ClinVar after 2014 and classified the variant as pathogenic. Based on the evidence outlined above, the variant was classified as likely pathogenic.

NC_000001.10:g.(243542166_243579003)_(243579132_243581269)del

Gene: SDCCAG8 (SHH signaling and ciliogenesis regulator SDCCAG8; plus strand). Cytogenetic location: 1q43.
Variant type: Deletion.
Identifiers: ClinVar variation 1878326 (VCV001878326.1).